The following is an entry in ClinVar:

NM_153460.4(IL17RC):c.1942C>G (p.Arg648Gly)

Gene: IL17RC (interleukin 17 receptor C; plus strand). Cytogenetic location: 3p25.3.
Variant type: single nucleotide variant.
Coding change: c.1942C>G on transcript NM_153460.4 (MANE Select); coding-DNA position 1942, C replaced by G.
Protein change: p.Arg648Gly; replaces arginine 648 with glycine.
Molecular consequence: missense variant. On other transcripts: non-coding transcript variant (1).
Genome position (GRCh38, 1-based): chr3:9,933,372, C>G. VCF-style: chr3-9933372-C-G. GRCh37 (hg19) VCF-style: chr3-9975056-C-G.
Other names: c.1903C>G, p.Arg635Gly (NM_001203263.2); c.1852C>G, p.Arg618Gly (NM_001203264.2); c.1846C>G, p.Arg616Gly (NM_001203265.2); c.1864C>G, p.Arg622Gly (NM_001367278.1); c.1783C>G, p.Arg595Gly (NM_001367279.1); c.1858C>G, p.Arg620Gly (NM_001367280.1); c.1897C>G, p.Arg633Gly (NM_032732.6); c.2155C>G, p.Arg719Gly (NM_153461.4); short protein forms R595G, R616G, R618G, R620G, R622G, R633G, R635G, R648G.
Identifiers: ClinVar variation 999557 (VCV000999557.5), dbSNP rs1404462968, ClinGen allele CA351708541.

ClinVar aggregate classification (germline): Uncertain significance (1 of 4 stars; one submission).

Conditions:
Candidiasis, familial, 9 (CANDF9). Identifiers: Orphanet 1334, MedGen C4225324, MONDO:0014642, OMIM 616445.

Submission:

Labcorp Genetics (formerly Invitae), Labcorp
Classification: Uncertain significance for Candidiasis, familial, 9. Last evaluated: 2023-02-25. Review status: criteria provided, single submitter. Criteria: Invitae Variant Classification Sherloc (09022015). Collection method: clinical testing. Allele origin: germline.
Comment: ClinVar contains an entry for this variant (Variation ID: 999557). In summary, the available evidence is currently insufficient to determine the role of this variant in disease. Therefore, it has been classified as a Variant of Uncertain Significance. An algorithm developed to predict the effect of missense changes on protein structure and function (PolyPhen-2) suggests that this variant is likely to be disruptive. This variant has not been reported in the literature in individuals affected with IL17RC-related conditions. This variant is not present in population databases (gnomAD no frequency). This sequence change replaces arginine, which is basic and polar, with glycine, which is neutral and non-polar, at codon 719 of the IL17RC protein (p.Arg719Gly).